The following is an entry in ClinVar:

NM_007294.4(BRCA1):c.1312_1322del (p.Glu438fs)

Gene: BRCA1 (BRCA1 DNA repair associated; minus strand). Cytogenetic location: 17q21.31.
Variant type: Deletion.
Coding change: c.1312_1322del on transcript NM_007294.4 (MANE Select); coding-DNA positions 1312 to 1322, 11 bases deleted (GAGGCTTTAAT).
Protein change: p.Glu438fs; shifts the reading frame from glutamic acid 438.
Molecular consequence: frameshift variant. On other transcripts: intron variant (137).
Genome position (GRCh38, 1-based): chr17:43,094,209-43,094,219, ATTAAAGCCTC deleted on the plus strand (GAGGCTTTAAT on the coding strand, the reverse complement: BRCA1 is on the minus strand); deleting any 11 consecutive bases within chr17:43,094,209-43,094,221 gives the same sequence; the c. name uses the placement nearest the transcript's 3' end. VCF-style (leftmost placement, unchanged base first): chr17-43094208-TATTAAAGCCTC-T. GRCh37 (hg19) VCF-style: chr17-41246225-TATTAAAGCCTC-T.
Other names: c.1312_1322del11 (NM_007294.3); c.1171_1181del, p.Glu391fs (NM_001407733.1, NM_001407734.1, NM_001407735.1 and 29 more transcripts); c.1168_1178del, p.Glu390fs (NM_001407740.1, NM_001407741.1, NM_001407742.1 and 20 more transcripts); c.1099_1109del, p.Glu367fs (NM_001407853.1, NM_001407894.1, NM_001407895.1 and 9 more transcripts); c.1312_1322del, p.Glu438fs (NM_001407854.1, NM_001407858.1, NM_001407859.1 and 30 more transcripts); c.1309_1319del, p.Glu437fs (NM_001407860.1, NM_001407861.1, NM_001407587.1 and 22 more transcripts); c.1111_1121del, p.Glu371fs (NM_001407862.1); c.1189_1199del, p.Glu397fs (NM_001407863.1, NM_001407919.1, NM_001407937.1 and 19 more transcripts); and 41 more; short protein forms E391fs, E438fs, E311fs, E349fs, E437fs, E310fs, E326fs, E327fs.
Identifiers: ClinVar variation 1769686 (VCV001769686.2), dbSNP rs2552216341, ClinGen allele CA2580093890.

ClinVar aggregate classification (germline): Pathogenic (1 of 4 stars; one submission).

Conditions:
Hereditary cancer-predisposing syndrome. Also called: Hereditary Cancer Syndrome; Hereditary neoplastic syndrome; Neoplastic Syndromes, Hereditary; Tumor predisposition. Identifiers: Orphanet 140162, MedGen C0027672, MeSH D009386, MONDO:0015356.

Submission:

Ambry Genetics
Classification: Pathogenic for Hereditary cancer-predisposing syndrome. Last evaluated: 2020-10-30. Review status: criteria provided, single submitter. Criteria: Ambry Variant Classification Scheme 2023. Collection method: clinical testing. Allele origin: germline.
Comment: The c.1312_1322del11 pathogenic mutation, located in coding exon 9 of the BRCA1 gene, results from a deletion of 11 nucleotides at nucleotide positions 1312 to 1322, causing a translational frameshift with a predicted alternate stop codon (p.E438Mfs*2). This alteration is expected to result in loss of function by premature protein truncation or nonsense-mediated mRNA decay. As such, this alteration is interpreted as a disease-causing mutation.